The following is an entry in ClinVar:

ClinVar aggregate classification (germline): Benign/Likely benign. Review status: criteria provided, multiple submitters, no conflicts (2 of 4 stars). 6 submissions from 6 submitters: Benign (2); Likely benign (4). Last evaluated 2025-11-18.

Conditions:
Lymphangiomyomatosis (LAM). Also called: Lymphangioleiomyomatosis, somatic; Lymphangioleiomyomatosis. Identifiers: Orphanet 538, MedGen C0751674, MONDO:0011705, OMIM 606690.
Isolated focal cortical dysplasia type II (FCORD2). Also called: Focal cortical dysplasia type II; CORTICAL DYSPLASIA OF TAYLOR. Identifiers: Orphanet 268994, MedGen C1846385, MONDO:0011818, OMIM 607341, HP:0032051.
Tuberous sclerosis 2 (TSC2). Identifiers: Orphanet 805, MedGen C1860707, MONDO:0013199, OMIM 613254.
Tuberous sclerosis syndrome (TSC). Also called: Tuberous Sclerosis Complex; Tuberous sclerosis. Identifiers: Orphanet 805, MedGen C0041341, MONDO:0001734.
Hereditary cancer-predisposing syndrome. Also called: Hereditary Cancer Syndrome; Neoplastic Syndromes, Hereditary; Hereditary neoplastic syndrome; Tumor predisposition. Identifiers: Orphanet 140162, MedGen C0027672, MeSH D009386, MONDO:0015356.

gnomAD v4.1: 1 of 1,612,682 alleles (0.000062%); highest among the groups gnomAD compares: Non-Finnish European, 0.000085%; no homozygotes.

Submissions (6):

Labcorp Genetics (formerly Invitae), Labcorp
Classification: Likely benign for Tuberous sclerosis 2. Last evaluated: 2025-11-18. Review status: criteria provided, single submitter. Criteria: Invitae Variant Classification Sherloc (09022015). Collection method: clinical testing. Allele origin: germline.

Myriad Genetics, Inc.
Classification: Benign for Tuberous sclerosis 2. Last evaluated: 2025-05-20. Review status: criteria provided, single submitter. Criteria: Myriad Autosomal Dominant, Autosomal Recessive and X-Linked Classification Criteria (2023). Collection method: clinical testing. Allele origin: unknown.
Comment: This variant is considered benign. This variant is a silent/synonymous amino acid change and it is not expected to impact splicing.

All of Us Research Program, National Institutes of Health
Classification: Likely benign for Tuberous sclerosis syndrome. Last evaluated: 2023-12-18. Review status: criteria provided, single submitter. Criteria: ACMG Guidelines, 2015. Collection method: clinical testing. Allele origin: germline. Inheritance: Autosomal dominant inheritance. Observed: 3 variant alleles, 3 heterozygotes.
Comment: This study involves interpretation of variants in research participants for the purpose of population health screening. Participant phenotype was not available at the time of variant classification. Additional details can be found in publication PMID: 35346344, PMCID: PMC8962531

Fulgent Genetics
Classification: Likely benign for Lymphangiomyomatosis; Isolated focal cortical dysplasia type II; Tuberous sclerosis 2. Last evaluated: 2022-01-08. Review status: criteria provided, single submitter. Criteria: ACMG Guidelines, 2015. Collection method: clinical testing. Allele origin: unknown.

Genome-Nilou Lab
Classification: Benign for Tuberous sclerosis 2. Last evaluated: 2021-11-07. Review status: criteria provided, single submitter. Criteria: ACMG Guidelines, 2015. Collection method: clinical testing. Allele origin: germline. Affected: no.

Ambry Genetics
Classification: Likely benign for Hereditary cancer-predisposing syndrome. Last evaluated: 2019-01-17. Review status: criteria provided, single submitter. Criteria: Ambry Variant Classification Scheme 2023. Collection method: clinical testing. Allele origin: germline.

NM_000548.5(TSC2):c.2493G>A (p.Thr831=)

Gene: TSC2 (TSC complex subunit 2; plus strand). Cytogenetic location: 16p13.3.
Variant type: single nucleotide variant.
Coding change: c.2493G>A on transcript NM_000548.5 (MANE Select); coding-DNA position 2493, G replaced by A.
Protein change: p.Thr831=; no amino-acid change (threonine 831 retained).
Molecular consequence: synonymous variant.
Genome position (GRCh38, 1-based): chr16:2,074,337, G>A. VCF-style: chr16-2074337-G-A. GRCh37 (hg19) VCF-style: chr16-2124338-G-A.
Other names: c.2493G>A, p.Thr831= (NM_001077183.3, NM_001114382.3, NM_001363528.2 and 3 more transcripts); c.2382G>A, p.Thr794= (NM_001318827.2); c.2346G>A, p.Thr782= (NM_001318829.2); c.1893G>A, p.Thr631= (NM_001318831.2); c.2526G>A, p.Thr842= (NM_001318832.2).
Identifiers: ClinVar variation 821359 (VCV000821359.18), dbSNP rs773645613, ClinGen allele CA276740889.